The following is an entry in ClinVar:

ClinVar aggregate classification (germline): Uncertain significance (1 of 4 stars; one submission).

Conditions:
Hereditary diffuse gastric adenocarcinoma (HDGC). Also called: DIFFUSE GASTRIC AND LOBULAR BREAST CANCER SYNDROME. Identifiers: Orphanet 26106, MedGen C1708349, MONDO:0007648, OMIM 137215.

Submission:

Labcorp Genetics (formerly Invitae), Labcorp
Classification: Uncertain significance for Hereditary diffuse gastric adenocarcinoma. Last evaluated: 2023-09-01. Review status: criteria provided, single submitter. Criteria: Invitae Variant Classification Sherloc (09022015). Collection method: clinical testing. Allele origin: germline.
Comment: This variant has not been reported in the literature in individuals affected with CDH1-related conditions. Variants that disrupt the consensus splice site are a relatively common cause of aberrant splicing (PMID: 17576681, 9536098). RNA analysis performed to evaluate the impact of this variant on mRNA splicing indicates it does not significantly alter splicing (Invitae). In summary, the available evidence is currently insufficient to determine the role of this variant in disease. Therefore, it has been classified as a Variant of Uncertain Significance. This variant is not present in population databases (gnomAD no frequency). This sequence change falls in intron 5 of the CDH1 gene. It does not directly change the encoded amino acid sequence of the CDH1 protein. It affects a nucleotide within the consensus splice site.

Literature cited by the submitters: PubMed 17576681; PubMed 9536098.

NM_004360.5(CDH1):c.687+4A>G

Gene: CDH1 (cadherin 1; plus strand). Cytogenetic location: 16q22.1.
Variant type: single nucleotide variant.
Coding change: c.687+4A>G on transcript NM_004360.5 (MANE Select); 4 bases into the intron after coding-DNA position 687, A replaced by G.
Molecular consequence: intron variant.
Genome position (GRCh38, 1-based): chr16:68,808,852, A>G. VCF-style: chr16-68808852-A-G. GRCh37 (hg19) VCF-style: chr16-68842755-A-G.
Other names: c.-929+4A>G (NM_001317185.2); c.-1133+4A>G (NM_001317186.2); c.687+4A>G (NM_001317184.2).
Identifiers: ClinVar variation 2812642 (VCV002812642.3), dbSNP rs2152130326, ClinGen allele CA2739266855.